The following is an entry in ClinVar:

ClinVar aggregate classification (germline): Uncertain significance. Review status: criteria provided, multiple submitters, no conflicts (2 of 4 stars). 2 submissions from 2 submitters: Uncertain significance (2). Last evaluated 2024-09-03.

Conditions:
Global developmental delay - lung cysts - overgrowth - Wilms tumor syndrome. Also called: GLOW Syndrome; GLOBAL DEVELOPMENTAL DELAY, LUNG CYSTS, OVERGROWTH, AND WILMS TUMOR. Identifiers: Orphanet 404476, MedGen C4748924, MONDO:0018445, OMIM 618272.
Hereditary cancer-predisposing syndrome. Also called: Neoplastic Syndromes, Hereditary; Tumor predisposition; Hereditary Cancer Syndrome; Hereditary neoplastic syndrome. Identifiers: Orphanet 140162, MedGen C0027672, MeSH D009386, MONDO:0015356.

Submissions (2):

Ambry Genetics
Classification: Uncertain significance for Hereditary cancer-predisposing syndrome. Last evaluated: 2024-09-03. Review status: criteria provided, single submitter. Criteria: Ambry Variant Classification Scheme 2023. Collection method: clinical testing. Allele origin: germline.
Comment: The p.D1266V variant (also known as c.3797A>T), located in coding exon 20 of the DICER1 gene, results from an A to T substitution at nucleotide position 3797. The aspartic acid at codon 1266 is replaced by valine, an amino acid with highly dissimilar properties. This amino acid position is conserved. In addition, this alteration is predicted to be tolerated by in silico analysis. Based on the available evidence, the clinical significance of this variant remains unclear.

Baylor Genetics
Classification: Uncertain significance for Global developmental delay - lung cysts - overgrowth - Wilms tumor syndrome. Last evaluated: 2023-11-23. Review status: criteria provided, single submitter. Criteria: ACMG Guidelines, 2015. Collection method: clinical testing. Allele origin: unknown.

NM_177438.3(DICER1):c.3797A>T (p.Asp1266Val)

Gene: DICER1 (dicer 1, ribonuclease III; minus strand). Cytogenetic location: 14q32.13.
Variant type: single nucleotide variant.
Coding change: c.3797A>T on transcript NM_177438.3 (MANE Select); coding-DNA position 3797, A replaced by T.
Protein change: p.Asp1266Val; replaces aspartic acid 1266 with valine.
Molecular consequence: missense variant. On other transcripts: non-coding transcript variant (6).
Genome position (GRCh38, 1-based): chr14:95,103,599, T>A on the plus strand (A>T on the coding strand, the complement: DICER1 is on the minus strand). VCF-style: chr14-95103599-T-A. GRCh37 (hg19) VCF-style: chr14-95569936-T-A.
Other names: c.3797A>T, p.Asp1266Val (NM_001195573.1, NM_001271282.3, NM_001291628.2 and 13 more transcripts); c.3515A>T, p.Asp1172Val (NM_001395686.1); c.3392A>T, p.Asp1131Val (NM_001395687.1, NM_001395688.1, NM_001395689.1 and 2 more transcripts); c.3230A>T, p.Asp1077Val (NM_001395691.1); c.2114A>T, p.Asp705Val (NM_001395697.1); short protein forms D1266V, D1131V, D1172V, D705V, D1077V.
Identifiers: ClinVar variation 1734992 (VCV001734992.4), dbSNP rs368610812, ClinGen allele CA390873428.